The following is an entry in ClinVar:

NC_000015.10:g.84817246G>C

Gene: ALPK3 (alpha kinase 3; plus strand). Cytogenetic location: 15q25.3.
Variant type: single nucleotide variant.
Genome position: GRCh38 VCF-style: chr15-84817246-G-C. GRCh37 (hg19) VCF-style: chr15-85360477-G-C.
Identifiers: ClinVar variation 3707471 (VCV003707471.3).

ClinVar aggregate classification (germline): Conflicting classifications of pathogenicity. Review status: criteria provided, conflicting classifications (1 of 4 stars). 2 submissions from 2 submitters: Uncertain significance (1); Likely benign (1). Last evaluated 2026-04-20.

Conditions:
Cardiovascular phenotype. Identifiers: MedGen CN230736.

Submissions (2):

Ambry Genetics
Classification: Likely benign for Cardiovascular phenotype. Last evaluated: 2026-04-20. Review status: criteria provided, single submitter. Criteria: Ambry Variant Classification Scheme 2023. Collection method: clinical testing. Allele origin: germline.

Labcorp Genetics (formerly Invitae), Labcorp
Classification: Uncertain significance. Last evaluated: 2025-04-27. Review status: criteria provided, single submitter. Criteria: Invitae Variant Classification Sherloc (09022015). Collection method: clinical testing. Allele origin: germline.
Comment: This sequence change replaces glycine, which is neutral and non-polar, with arginine, which is basic and polar, at codon 134 of the ALPK3 protein (p.Gly134Arg). This variant is not present in population databases (gnomAD no frequency). This variant has not been reported in the literature in individuals affected with ALPK3-related conditions. ClinVar contains an entry for this variant (Variation ID: 3707471). An algorithm developed to predict the effect of missense changes on protein structure and function outputs the following: PolyPhen-2: "Benign". The arginine amino acid residue is found in multiple mammalian species, which suggests that this missense change does not adversely affect protein function. In summary, the available evidence is currently insufficient to determine the role of this variant in disease. Therefore, it has been classified as a Variant of Uncertain Significance.